The following is an entry in ClinVar:

NM_016038.4(SBDS):c.258+347_459+223del

Gene: SBDS (SBDS ribosome maturation factor; minus strand). Cytogenetic location: 7q11.21.
Variant type: Deletion.
Coding change: c.258+347_459+223del on transcript NM_016038.4 (MANE Select); 347 bases into the intron after coding-DNA position 258 through 223 bases into the intron after coding-DNA position 459, 872 bases deleted.
Molecular consequence: splice acceptor variant, splice donor variant.
Genome position (GRCh38, 1-based): chr7:66,992,994-66,993,865, 872 bases deleted. GRCh37 (hg19): chr7:66,457,992-66,458,863.
Other names: chr 7:66457992_66458863del.
Identifiers: ClinVar variation 2498198 (VCV002498198.1), dbSNP rs2536928013, ClinGen allele CA2580077309.

ClinVar aggregate classification (germline): Pathogenic (0 of 4 stars; one submission).

Conditions:
Shwachman-Diamond syndrome 1 (SDS1). Also called: LIPOMATOSIS OF PANCREAS, CONGENITAL. Identifiers: MedGen C4692625, MONDO:0044204, OMIM 260400.

Submission:

Clinical Genetics Branch, National Institutes of Health
Classification: Pathogenic for Shwachman-Diamond syndrome 1. Last evaluated: 2023-03-29. Review status: no assertion criteria provided. Collection method: research. Allele origin: germline. Inheritance: Autosomal recessive inheritance. Affected: yes.
Comment: A very similar deletion has been previously reported (PMID: 17376717). In this report the authors speculate that the resulting mutant SBDS protein will have incorrect polypeptidic folding and concomitant loss of function. Additionally, western blotting for SBDS showed significant decrease in protein production from cultured fibroblasts from this patient.

Literature cited by the submitters: PMC 9500118.